The following is an entry in ClinVar:

ClinVar aggregate classification (germline): Uncertain significance. Review status: criteria provided, multiple submitters, no conflicts (2 of 4 stars). 3 submissions from 3 submitters: Uncertain significance (3). Last evaluated 2023-09-15.

Conditions:
Cardiovascular phenotype. Identifiers: MedGen CN230736.
Myofibrillar myopathy 4. Also called: Zaspopathy (type). Identifiers: Orphanet 98912, MedGen C4721886, MONDO:0012277, OMIM 609452.

Submissions (3):

Ambry Genetics
Classification: Uncertain significance for Cardiovascular phenotype. Last evaluated: 2023-09-15. Review status: criteria provided, single submitter. Criteria: Ambry Variant Classification Scheme 2023. Collection method: clinical testing. Allele origin: germline.
Comment: The p.P443S variant (also known as c.1327C>T), located in coding exon 9 of the LDB3 gene, results from a C to T substitution at nucleotide position 1327. The proline at codon 443 is replaced by serine, an amino acid with similar properties. This amino acid position is conserved. In addition, this alteration is predicted to be tolerated by in silico analysis. Since supporting evidence is limited at this time, the clinical significance of this alteration remains unclear.

Women's Health and Genetics/Laboratory Corporation of America, LabCorp
Classification: Uncertain significance. Last evaluated: 2022-12-25. Review status: criteria provided, single submitter. Criteria: LabCorp Variant Classification Summary - May 2015. Collection method: clinical testing. Allele origin: germline.

Labcorp Genetics (formerly Invitae), Labcorp
Classification: Uncertain significance for Myofibrillar myopathy 4. Last evaluated: 2022-08-21. Review status: criteria provided, single submitter. Criteria: Invitae Variant Classification Sherloc (09022015). Collection method: clinical testing. Allele origin: germline.
Comment: In summary, the available evidence is currently insufficient to determine the role of this variant in disease. Therefore, it has been classified as a Variant of Uncertain Significance. Experimental studies and prediction algorithms are not available or were not evaluated, and the functional significance of this variant is currently unknown. This variant has not been reported in the literature in individuals affected with LDB3-related conditions. This variant is not present in population databases (gnomAD no frequency). This sequence change replaces proline, which is neutral and non-polar, with serine, which is neutral and polar, at codon 443 of the LDB3 protein (p.Pro443Ser). The LDB3 gene has multiple clinically relevant transcripts. This variant occurs in alternate transcript NM_007078.3, and corresponds to NM_001080116.1:c.*17048C>T in the primary transcript.

NM_007078.3(LDB3):c.1327C>T (p.Pro443Ser)

Gene: LDB3 (LIM domain binding 3; plus strand). Cytogenetic location: 10q23.2.
Variant type: single nucleotide variant.
Coding change: c.1327C>T on transcript NM_007078.3 (MANE Select); coding-DNA position 1327, C replaced by T.
Protein change: p.Pro443Ser; replaces proline 443 with serine.
Molecular consequence: missense variant.
Genome position (GRCh38, 1-based): chr10:86,716,422, C>T. VCF-style: chr10-86716422-C-T. GRCh37 (hg19) VCF-style: chr10-88476179-C-T.
Other names: c.997C>T, p.Pro333Ser (NM_001080114.2); c.1342C>T, p.Pro448Ser (NM_001171610.2); c.1138C>T, p.Pro380Ser (NM_001368064.1, NM_001368065.1); c.1186C>T, p.Pro396Ser (NM_001368066.1); short protein forms P448S, P380S, P443S, P333S, P396S.
Identifiers: ClinVar variation 1878383 (VCV001878383.8), dbSNP rs2492808268, ClinGen allele CA377449896.